The following is an entry in ClinVar:

NM_006059.4(LAMC3):c.3859A>G (p.Thr1287Ala)

Gene: LAMC3 (laminin subunit gamma 3; plus strand). Cytogenetic location: 9q34.12.
Variant type: single nucleotide variant.
Coding change: c.3859A>G on transcript NM_006059.4 (MANE Select); coding-DNA position 3859, A replaced by G.
Protein change: p.Thr1287Ala; replaces threonine 1287 with alanine.
Molecular consequence: missense variant.
Genome position (GRCh38, 1-based): chr9:131,079,230, A>G. VCF-style: chr9-131079230-A-G. GRCh37 (hg19) VCF-style: chr9-133954617-A-G.
Other names: short protein forms T1287A.
Identifiers: ClinVar variation 1992599 (VCV001992599.4), dbSNP rs2538317165, ClinGen allele CA375262840.

ClinVar aggregate classification (germline): Uncertain significance (1 of 4 stars; one submission).

Submission:

Labcorp Genetics (formerly Invitae), Labcorp
Classification: Uncertain significance. Last evaluated: 2022-05-10. Review status: criteria provided, single submitter. Criteria: Invitae Variant Classification Sherloc (09022015). Collection method: clinical testing. Allele origin: germline.
Comment: In summary, the available evidence is currently insufficient to determine the role of this variant in disease. Therefore, it has been classified as a Variant of Uncertain Significance. Algorithms developed to predict the effect of missense changes on protein structure and function (SIFT, PolyPhen-2, Align-GVGD) all suggest that this variant is likely to be tolerated. This variant has not been reported in the literature in individuals affected with LAMC3-related conditions. This variant is not present in population databases (gnomAD no frequency). This sequence change replaces threonine, which is neutral and polar, with alanine, which is neutral and non-polar, at codon 1287 of the LAMC3 protein (p.Thr1287Ala).